The following is an entry in ClinVar:

ClinVar aggregate classification (germline): Likely pathogenic (1 of 4 stars; one submission).

Conditions:
ITGB4-related disorder. Also called: ITGB4-related condition.

Submission:

PreventionGenetics, part of Exact Sciences
Classification: Likely pathogenic for ITGB4-related condition. Last evaluated: 2022-08-24. Review status: criteria provided, single submitter. Criteria: ACMG Guidelines, 2015. Collection method: clinical testing. Allele origin: germline.
Comment: The ITGB4 c.4392delC variant is predicted to result in a frameshift and premature protein termination (p.Ser1465Valfs*9). To our knowledge, this variant has not been reported in the literature or in a large population database, indicating this variant is rare. Frameshift variants in ITGB4 are expected to be pathogenic. This variant is interpreted as likely pathogenic.

NM_000213.5(ITGB4):c.4392del (p.Ser1465fs)

Genes: GALK1 (galactokinase 1; minus strand), ITGB4 (integrin subunit beta 4; plus strand). Cytogenetic location: 17q25.1.
Variant type: Deletion.
Coding change: c.4392del on transcript NM_000213.5 (MANE Select); coding-DNA position 4392, one base deleted (C; older notation c.4392delC).
Protein change: p.Ser1465fs; shifts the reading frame from serine 1465.
Molecular consequence: frameshift variant. On other transcripts: intron variant (1).
Genome position (GRCh38, 1-based): chr17:75,754,649, C deleted; the last of 2 consecutive C bases (chr17:75,754,648-75,754,649); deleting either gives the same sequence. VCF-style (leftmost placement, unchanged base first): chr17-75754647-AC-A. GRCh37 (hg19) VCF-style: chr17-73750728-AC-A.
Other names: c.4182del, p.Ser1395fs (NM_001005619.2, NM_001005731.3, NM_001321123.2 and 1 more transcripts); c.*23-2911del (NM_001381985.1); short protein forms S1395fs, S1465fs.
Identifiers: ClinVar variation 2636382 (VCV002636382.1), dbSNP rs2545867555, ClinGen allele CA2695200335.